The following is an entry in ClinVar:

ClinVar aggregate classification (germline): Conflicting classifications of pathogenicity. Review status: criteria provided, conflicting classifications (1 of 4 stars). 3 submissions from 3 submitters: Uncertain significance (1); Likely benign (2). Last evaluated 2026-01-15.

Allele frequency attached by ClinVar (database versions not stated): ExAC 0.00001; ESP Exome Variant Server 0.00008; gnomAD 0.00005; TOPMed 0.00005.
gnomAD v4.1: 111 of 1,613,650 alleles (0.0069%); highest among the groups gnomAD compares: Non-Finnish European, 0.0092%; no homozygotes.

Submissions (3):

Labcorp Genetics (formerly Invitae), Labcorp
Classification: Likely benign. Last evaluated: 2026-01-15. Review status: criteria provided, single submitter. Criteria: Invitae Variant Classification Sherloc (09022015). Collection method: clinical testing. Allele origin: germline.

Ambry Genetics
Classification: Likely benign. Last evaluated: 2024-11-22. Review status: criteria provided, single submitter. Criteria: Ambry Variant Classification Scheme 2023. Collection method: clinical testing. Allele origin: germline.

GeneDx
Classification: Uncertain significance. Last evaluated: 2023-06-15. Review status: criteria provided, single submitter. Criteria: GeneDx Variant Classification Process June 2021. Collection method: clinical testing. Allele origin: germline.
Comment: Not observed at significant frequency in large population cohorts (gnomAD); In silico analysis supports that this variant does not alter splicing; Has not been previously published as pathogenic or benign to our knowledge

NM_006947.4(SRP72):c.1408C>T (p.Leu470=)

Gene: SRP72 (signal recognition particle 72; plus strand). Cytogenetic location: 4q12.
Variant type: single nucleotide variant.
Coding change: c.1408C>T on transcript NM_006947.4 (MANE Select); coding-DNA position 1408, C replaced by T.
Protein change: p.Leu470=; no amino-acid change (leucine 470 retained).
Molecular consequence: synonymous variant. On other transcripts: non-coding transcript variant (1).
Genome position (GRCh38, 1-based): chr4:56,490,420, C>T. VCF-style: chr4-56490420-C-T. GRCh37 (hg19) VCF-style: chr4-57356586-C-T.
Other names: c.1225C>T, p.Leu409= (NM_001267722.2).
Identifiers: ClinVar variation 2085344 (VCV002085344.7), dbSNP rs377629543, ClinGen allele CA2931351.